The following is an entry in ClinVar:

NC_000001.10:g.(12049401_12052611)_(12057479_12058826)dup

Gene: MFN2 (mitofusin 2; plus strand). Cytogenetic location: 1p36.22.
Variant type: Duplication.
Identifiers: ClinVar variation 2627363 (VCV002627363.2).

ClinVar aggregate classification (germline): Likely pathogenic (1 of 4 stars; one submission).

Conditions:
MFN2-related disorder. Also called: MFN2-related condition; MFN2-related disorders.

Submission:

Women's Health and Genetics/Laboratory Corporation of America, LabCorp
Classification: Likely pathogenic for MFN2-Related Disorders. Last evaluated: 2023-10-04. Review status: criteria provided, single submitter. Criteria: LabCorp Variant Classification Summary - May 2015. Collection method: clinical testing. Allele origin: germline.
Comment: Variant summary: The variant identified by MLPA or other technology involves the duplication of exons 4-6 in the MFN2 gene. A presumed nomenclature of c.(175+1_176-1)_(599+1_600-1)dup has been designated for the purposes of this classification. It has been assumed that this is a tandem duplication in direct orientation (Richardson_GIM_2018, Newman_AJHG_2015). Although exact breakpoints of this duplication are not known, it is expected to result in a frameshift in the MFN2 gene. The variant was absent in 21694 control chromosomes (gnomAD, Structural Variant Dataset). c.(175+1_176-1)_(599+1_600-1)dup has been reported in the literature in individuals affected with Charcot-Marie-Tooth disease (Pipis_2020). To our knowledge, no experimental evidence demonstrating an impact on protein function has been reported. The following publication have been ascertained in the context of this evaluation (PMID: 33415332). One submitter has cited clinical-significance assessments for this variant to ClinVar after 2014 and has classified the variant as likely pathogenic. Based on the evidence outlined above, the variant was classified as likely pathogenic.

Literature cited by the submitters: PubMed 33415332.